The following is an entry in ClinVar:

ClinVar aggregate classification (germline): Likely benign. Review status: criteria provided, multiple submitters, no conflicts (2 of 4 stars). 3 submissions from 3 submitters: Likely benign (2). 1 of the submissions does not count toward it. Last evaluated 2022-02-09.

Conditions:
Imerslund-Grasbeck syndrome type 1 (IGS1). Also called: Megaloblastic anemia 1, Finnish type; Imerslund-Gräsbeck syndrome 1; MEGALOBLASTIC ANEMIA, 1. Identifiers: MedGen C4016819, MONDO:0100156, OMIM 261100.
Proteinuria, chronic benign. Identifiers: MedGen C5394384, MONDO:0030042, OMIM 618884.
CUBN-related disorder. Also called: CUBN-related condition.
Imerslund-Grasbeck syndrome. Also called: Imerslund-Gräsbeck syndrome; PERNICIOUS ANEMIA, JUVENILE, DUE TO SELECTIVE INTESTINAL MALABSORPTION OF VITAMIN B12, WITH PROTEINURIA; ENTEROCYTE COBALAMIN MALABSORPTION; ENTEROCYTE INTRINSIC FACTOR RECEPTOR, DEFECT OF; Megaloblastic anemia due to inborn errors of metabolism. Identifiers: Orphanet 35858, MedGen C4551825, MONDO:0009853.

Allele frequency attached by ClinVar (database versions not stated): gnomAD 0.00001 and 0.00003; gnomAD exomes 0.00002; 1000 Genomes Project 30x 0.00016; 1000 Genomes Project 0.00020.
gnomAD v4.1: 22 of 1,613,932 alleles (0.0014%); highest among the groups gnomAD compares: African/African-American, 0.012%; no homozygotes.

Submissions (3):

Fulgent Genetics
Classification: Likely benign for Imerslund-Grasbeck syndrome type 1; Proteinuria, chronic benign. Last evaluated: 2022-02-09. Review status: criteria provided, single submitter. Criteria: ACMG Guidelines, 2015. Collection method: clinical testing. Allele origin: unknown.

Labcorp Genetics (formerly Invitae), Labcorp
Classification: Likely benign for Imerslund-Grasbeck syndrome. Last evaluated: 2021-10-10. Review status: criteria provided, single submitter. Criteria: Invitae Variant Classification Sherloc (09022015). Collection method: clinical testing. Allele origin: germline.

PreventionGenetics, part of Exact Sciences
Classification: Likely benign for CUBN-related condition. Last evaluated: 2019-09-17. Review status: no assertion criteria provided. Collection method: clinical testing. Allele origin: germline. Not counted in ClinVar's aggregate classification.
Comment: This variant is classified as likely benign based on ACMG/AMP sequence variant interpretation guidelines (Richards et al. 2015 PMID: 25741868, with internal and published modifications).

NM_001081.4(CUBN):c.1644T>C (p.Phe548=)

Gene: CUBN (cubilin; minus strand). Cytogenetic location: 10p13.
Variant type: single nucleotide variant.
Coding change: c.1644T>C on transcript NM_001081.4 (MANE Select); coding-DNA position 1644, T replaced by C.
Protein change: p.Phe548=; no amino-acid change (phenylalanine 548 retained).
Molecular consequence: synonymous variant.
Genome position (GRCh38, 1-based): chr10:17,100,126, A>G on the plus strand (T>C on the coding strand, the complement: CUBN is on the minus strand). VCF-style: chr10-17100126-A-G. GRCh37 (hg19) VCF-style: chr10-17142125-A-G.
Other names: c.1644T>C (NM_001081.3).
Identifiers: ClinVar variation 1533539 (VCV001533539.11), dbSNP rs559998744, ClinGen allele CA203594704.
Genomic context (GRCh38, chr10:17,100,126, plus strand): 5'-GAGATGAAAATAGAGAGCATTGTCACTGCTGAGGAGTTCATGAGGGAGGCTGGAGCCACA[A>G]AATCTTCCAAGTTGAAAAGCAGAAGAGGAATCTCCATCATAAACCTGAAGAAACTCGTGT-3'
Protein context (NP_001072.2, residues 538-558): DSSSAFQLGR[Phe548=]CGSSLPHELL